The following is an entry in ClinVar:

ClinVar aggregate classification (germline): Uncertain significance (1 of 4 stars; one submission).

gnomAD v4.1: 13 of 1,613,296 alleles (0.00081%); highest among the groups gnomAD compares: Non-Finnish European, 0.0011%; no homozygotes.

Submission:

Labcorp Genetics (formerly Invitae), Labcorp
Classification: Uncertain significance. Last evaluated: 2026-01-19. Review status: criteria provided, single submitter. Criteria: Invitae Variant Classification Sherloc (09022015). Collection method: clinical testing. Allele origin: germline.
Comment: This sequence change replaces glutamic acid, which is acidic and polar, with lysine, which is basic and polar, at codon 30 of the TOP2B protein (p.Glu30Lys). This variant is not present in population databases (gnomAD no frequency). This variant has not been reported in the literature in individuals affected with TOP2B-related conditions. An algorithm developed to predict the effect of missense changes on protein structure and function (PolyPhen-2) suggests that this variant is likely to be tolerated. In summary, the available evidence is currently insufficient to determine the role of this variant in disease. Therefore, it has been classified as a Variant of Uncertain Significance.

NM_001330700.2(TOP2B):c.103G>A (p.Glu35Lys)

Gene: TOP2B (DNA topoisomerase II beta; minus strand). Cytogenetic location: 3p24.2.
Variant type: single nucleotide variant.
Coding change: c.103G>A on transcript NM_001330700.2 (MANE Select); coding-DNA position 103, G replaced by A.
Protein change: p.Glu35Lys; replaces glutamic acid 35 with lysine.
Molecular consequence: missense variant.
Genome position (GRCh38, 1-based): chr3:25,645,437, C>T on the plus strand (G>A on the coding strand, the complement: TOP2B is on the minus strand). VCF-style: chr3-25645437-C-T. GRCh37 (hg19) VCF-style: chr3-25686928-C-T.
Other names: c.88G>A, p.Glu30Lys (NM_001068.3); short protein forms E35K, E30K.
Identifiers: ClinVar variation 4763144 (VCV004763144.1).